The following is an entry in ClinVar:

ClinVar aggregate classification (germline): Benign/Likely benign. Review status: criteria provided, multiple submitters, no conflicts (2 of 4 stars). 3 submissions from 3 submitters: Benign (1); Likely benign (2). Last evaluated 2026-09-01.

Allele frequency attached by ClinVar (database versions not stated): 1000 Genomes Project 30x 0.00375; 1000 Genomes Project 0.00419; ExAC 0.00588; gnomAD exomes 0.00624 and 0.01093; gnomAD 0.00659 and 0.00676; TOPMed 0.00710; ESP Exome Variant Server 0.00870.
gnomAD v4.1: 16,831 of 1,613,996 alleles (1%); highest among the groups gnomAD compares: Non-Finnish European, 1.3%; 123 homozygotes.

Submissions (3):

CeGaT Center for Human Genetics Tuebingen
Classification: Benign. Last evaluated: 2026-09-01. Review status: criteria provided, single submitter. Criteria: CeGaT Center For Human Genetics Tuebingen Variant Classification Criteria Version 2. Collection method: clinical testing. Allele origin: germline. Affected: yes. Observed: 5 variant alleles.
Comment: DIP2A: BS1, BS2

Labcorp Genetics (formerly Invitae), Labcorp
Classification: Likely benign. Last evaluated: 2018-08-09. Review status: criteria provided, single submitter. Criteria: Invitae Variant Classification Sherloc (09022015). Collection method: clinical testing. Allele origin: germline.

Breakthrough Genomics
Classification: Likely benign. Review status: criteria provided, single submitter. Criteria: ACMG Guidelines, 2015. Collection method: not provided. Allele origin: germline. Inheritance: Unknown mechanism. Affected: yes.

NM_015151.4(DIP2A):c.2393C>T (p.Pro798Leu)

Gene: DIP2A (DIP2 acetate--CoA ligase A; plus strand). Cytogenetic location: 21q22.3.
Variant type: single nucleotide variant.
Coding change: c.2393C>T on transcript NM_015151.4 (MANE Select); coding-DNA position 2393, C replaced by T.
Protein change: p.Pro798Leu; replaces proline 798 with leucine.
Molecular consequence: missense variant.
Genome position (GRCh38, 1-based): chr21:46,545,960, C>T. VCF-style: chr21-46545960-C-T. GRCh37 (hg19) VCF-style: chr21-47965873-C-T.
Other names: c.2393C>T, p.Pro798Leu (NM_206891.3, NM_001353943.2, NM_206889.3 and 1 more transcripts); c.2264C>T, p.Pro755Leu (NM_001146115.2); c.2381C>T, p.Pro794Leu (NM_001146116.2); c.2396C>T, p.Pro799Leu (NM_001353942.2); c.2144C>T, p.Pro715Leu (NM_001353944.2); short protein forms P755L, P794L, P799L, P715L, P798L.
Identifiers: ClinVar variation 775120 (VCV000775120.12), dbSNP rs144400668, ClinGen allele CA10082333.